The following is an entry in ClinVar:

NM_000169.3(GLA):c.194G>A (p.Ser65Asn)

Genes: GLA (galactosidase alpha; minus strand), RPL36A-HNRNPH2 (RPL36A-HNRNPH2 readthrough; plus strand). Cytogenetic location: Xq22.1.
Variant type: single nucleotide variant.
Coding change: c.194G>A on transcript NM_000169.3 (MANE Select); coding-DNA position 194, G replaced by A.
Protein change: p.Ser65Asn; replaces serine 65 with asparagine.
Molecular consequence: missense variant. On other transcripts: non-coding transcript variant (3), intron variant (2).
Genome position (GRCh38, 1-based): chrX:101,407,710, C>T on the plus strand (G>A on the coding strand, the complement: GLA is on the minus strand). VCF-style: chrX-101407710-C-T. GRCh37 (hg19) VCF-style: chrX-100662698-C-T.
Other names: c.194G>A, p.Ser65Asn (NM_001406747.1, NM_001406748.1, NM_001406749.1); c.301-4226C>T (NM_001199973.2); c.178-4226C>T (NM_001199974.2); short protein forms S65N.
Identifiers: ClinVar variation 4974867 (VCV004974867.1).

ClinVar aggregate classification (germline): Uncertain significance (1 of 4 stars; one submission).

Conditions:
Fabry disease. Also called: Fabry's disease; ALPHA-GALACTOSIDASE A DEFICIENCY; ANDERSON-FABRY DISEASE; CERAMIDE TRIHEXOSIDASE DEFICIENCY; GLA DEFICIENCY; HEREDITARY DYSTOPIC LIPIDOSIS. Identifiers: Orphanet 324, MedGen C0002986, MONDO:0010526, OMIM 301500, HP:0001071. Disease mechanism: Fabry disease is due to inactivating mutations in the X-linked GLA gene resulting in deficiency of the enzyme Alpha Galactosidase-A., loss of function.

Submission:

Genomenon, Inc
Classification: Uncertain significance for Fabry disease. Last evaluated: 2026-09-08. Review status: criteria provided, single submitter. Criteria: Genomenon Sequence Variant Interpretation Standards - Updated. Collection method: curation. Allele origin: germline. Affected: yes.
Comment: GLA p.Ser65Asn (c.194G>A) is a missense variant that changes the amino acid at codon 65 from Serine to Asparagine. This variant has been observed in at least one proband with clinical features consistent with Fabry disease (PMID:26833297;40760696). It is absent or not present at a significant frequency in gnomAD. In silico models predict that this variant is possibly or probably damaging. In conclusion, we classify GLA p.Ser65Asn (c.194G>A) as a variant of uncertain significance.

Literature cited by the submitters: PubMed 26833297; PubMed 40760696.